The following is an entry in ClinVar:

NM_013450.4(BAZ2B):c.5340A>T (p.Arg1780=)

Gene: BAZ2B (bromodomain adjacent to zinc finger domain 2B; minus strand). Cytogenetic location: 2q24.2.
Variant type: single nucleotide variant.
Coding change: c.5340A>T on transcript NM_013450.4 (MANE Select); coding-DNA position 5340, A replaced by T.
Protein change: p.Arg1780=; no amino-acid change (arginine 1780 retained).
Molecular consequence: synonymous variant.
Genome position (GRCh38, 1-based): chr2:159,347,600, T>A on the plus strand (A>T on the coding strand, the complement: BAZ2B is on the minus strand). VCF-style: chr2-159347600-T-A. GRCh37 (hg19) VCF-style: chr2-160204111-T-A.
Other names: c.5232A>T, p.Arg1744= (NM_001289975.1); c.5178A>T, p.Arg1726= (NM_001329857.2); c.5265A>T, p.Arg1755= (NM_001329858.2).
Identifiers: ClinVar variation 3771226 (VCV003771226.13).

ClinVar aggregate classification (germline): Likely benign (1 of 4 stars; one submission).

gnomAD v4.1: 4 of 1,612,698 alleles (0.00025%); highest among the groups gnomAD compares: Admixed American, 0.0067%; no homozygotes.

Submission:

CeGaT Center for Human Genetics Tuebingen
Classification: Likely benign. Last evaluated: 2025-02-01. Review status: criteria provided, single submitter. Criteria: CeGaT Center For Human Genetics Tuebingen Variant Classification Criteria Version 2. Collection method: clinical testing. Allele origin: germline. Affected: yes. Observed: 1 variant allele.
Comment: BAZ2B: BP4, BP7